The following is an entry in ClinVar:

ClinVar aggregate classification (germline): Uncertain significance (1 of 4 stars; one submission).

Conditions:
Inborn genetic diseases. Identifiers: MedGen C0950123, MeSH D030342.

Submission:

Ambry Genetics
Classification: Uncertain significance for Inborn genetic diseases. Last evaluated: 2018-12-03. Review status: criteria provided, single submitter. Criteria: Ambry Variant Classification Scheme 2023. Collection method: clinical testing. Allele origin: germline.
Comment: The p.V66I variant (also known as c.196G>A), located in coding exon 2 of the GABRG2 gene, results from a G to A substitution at nucleotide position 196. The valine at codon 66 is replaced by isoleucine, an amino acid with highly similar properties. This amino acid position is highly conserved in available vertebrate species. In addition, the in silico prediction for this alteration is inconclusive. Since supporting evidence is limited at this time, the clinical significance of this alteration remains unclear.

NM_198904.4(GABRG2):c.196G>A (p.Val66Ile)

Gene: GABRG2 (gamma-aminobutyric acid type A receptor subunit gamma2; plus strand). Cytogenetic location: 5q34.
Variant type: single nucleotide variant.
Coding change: c.196G>A on transcript NM_198904.4 (MANE Select); coding-DNA position 196, G replaced by A.
Protein change: p.Val66Ile; replaces valine 66 with isoleucine.
Molecular consequence: missense variant. On other transcripts: 5 prime UTR variant (3).
Genome position (GRCh38, 1-based): chr5:162,093,916, G>A. VCF-style: chr5-162093916-G-A. GRCh37 (hg19) VCF-style: chr5-161520922-G-A.
Other names: c.196G>A, p.Val66Ile (NM_000816.3, NM_001375340.1, NM_001375341.1 and 4 more transcripts); c.187G>A, p.Val63Ile (NM_001375339.1); c.130G>A, p.Val44Ile (NM_001375345.1, NM_001375346.1); c.109G>A, p.Val37Ile (NM_001375347.1); c.-163G>A (NM_001375348.1, NM_001375350.1); c.-90G>A (NM_001375349.1); short protein forms V37I, V44I, V63I, V66I.
Identifiers: ClinVar variation 986007 (VCV000986007.3), dbSNP rs1760804071, ClinGen allele CA362183025.